The following is an entry in ClinVar:

NM_024120.5(NDUFAF5):c.44G>A (p.Trp15Ter)

Genes: NDUFAF5 (NADH:ubiquinone oxidoreductase complex assembly factor 5; plus strand), LOC130065433 (ATAC-STARR-seq lymphoblastoid active region 17552; plus strand). Cytogenetic location: 20p12.1.
Variant type: single nucleotide variant.
Coding change: c.44G>A on transcript NM_024120.5 (MANE Select); coding-DNA position 44, G replaced by A.
Protein change: p.Trp15Ter; replaces tryptophan 15 with a stop codon.
Molecular consequence: nonsense. On other transcripts: 5 prime UTR variant (3), non-coding transcript variant (7).
Genome position (GRCh38, 1-based): chr20:13,785,112, G>A. VCF-style: chr20-13785112-G-A. GRCh37 (hg19) VCF-style: chr20-13765758-G-A.
Other names: c.44G>A, p.Trp15Ter (NM_001039375.3, NM_001352408.2); c.-324G>A (NM_001352403.2); c.-538G>A (NM_001352406.2); c.-652G>A (NM_001352407.2); short protein forms W15*.
Identifiers: ClinVar variation 2139992 (VCV002139992.9), dbSNP rs576780935, ClinGen allele CA323851.

ClinVar aggregate classification (germline): Pathogenic/Likely pathogenic. Review status: criteria provided, multiple submitters, no conflicts (2 of 4 stars). 5 submissions from 5 submitters: Pathogenic (2); Likely pathogenic (3). Last evaluated 2025-09-17.

Conditions:
Mitochondrial complex I deficiency. Also called: NADH:Q(1) OXIDOREDUCTASE DEFICIENCY. Identifiers: Orphanet 2609, MedGen C1838979, MeSH C537475, MONDO:0100133.
Mitochondrial complex I deficiency, nuclear type 16. Also called: Mitochondrial complex 1 deficiency, nuclear type 16. Identifiers: MedGen C4748785, MONDO:0032621, OMIM 618238.

Allele frequency attached by ClinVar (database versions not stated): gnomAD 0.00001; TOPMed 0.00003; ExAC 0.00004.
gnomAD v4.1: 63 of 1,613,490 alleles (0.0039%); highest among the groups gnomAD compares: Non-Finnish European, 0.0053%; no homozygotes.

Submissions (5):

Natera, Inc.
Classification: Likely pathogenic for Mitochondrial complex I deficiency. Last evaluated: 2025-09-17. Review status: criteria provided, single submitter. Criteria: Natera Variant Classification Schema (03/2026). Collection method: clinical testing. Allele origin: germline.
Comment: The c.44G>A variant in NDUFAF5 is a nonsense variant predicted to introduce a stop codon at amino acid 15. This variant is expected to result in nonsense mediated decay, truncation, or a dysfunctional protein product. This variant is rare in the general population with a frequency below the threshold expected for the associated phenotype(s). Given the available evidence, this variant is classified as Likely Pathogenic.

Greenwood Genetic Center Diagnostic Laboratories, Greenwood Genetic Center
Classification: Likely pathogenic for Mitochondrial complex I deficiency, nuclear type 16. Last evaluated: 2025-06-18. Review status: criteria provided, single submitter. Criteria: ACMG Guidelines, 2015. Collection method: clinical testing. Allele origin: germline. Affected: yes.
Comment: PVS1_Strong, PM2

Dasa
Classification: Pathogenic. Last evaluated: 2025-06-09. Review status: criteria provided, single submitter. Criteria: DASA Assertion Criteria. Collection method: clinical testing. Allele origin: germline.
Comment: NM_024120.5(NDUFAF5):c.44G>A (p.Trp15*) introduces a premature termination codon predicted to result in loss of normal protein function. Loss-of-function is an established mechanism of disease for this gene. This variant has been reported in an affected individual with related phenotype in a genotype context consistent with recessive disease (PMID: 35830182). The variant is present at low frequency in population datasets. Based on the available data, this variant is classified as pathogenic.

Labcorp Genetics (formerly Invitae), Labcorp
Classification: Pathogenic. Last evaluated: 2024-05-07. Review status: criteria provided, single submitter. Criteria: Invitae Variant Classification Sherloc (09022015). Collection method: clinical testing. Allele origin: germline.
Comment: This sequence change creates a premature translational stop signal (p.Trp15*) in the NDUFAF5 gene. It is expected to result in an absent or disrupted protein product. Loss-of-function variants in NDUFAF5 are known to be pathogenic (PMID: 26275793, 30473481, 32918965). This variant is present in population databases (rs576780935, gnomAD 0.006%). This variant has not been reported in the literature in individuals affected with NDUFAF5-related conditions. ClinVar contains an entry for this variant (Variation ID: 2139992). For these reasons, this variant has been classified as Pathogenic.

Baylor Genetics
Classification: Likely pathogenic for Mitochondrial complex I deficiency, nuclear type 16. Last evaluated: 2024-03-01. Review status: criteria provided, single submitter. Criteria: ACMG Guidelines, 2015. Collection method: clinical testing. Allele origin: unknown.

Literature cited by the submitters: PubMed 35830182 (cited by Dasa); PubMed 26275793 (cited by Labcorp Genetics (formerly Invitae), Labcorp); PubMed 30473481 (cited by Labcorp Genetics (formerly Invitae), Labcorp); PubMed 32918965 (cited by Labcorp Genetics (formerly Invitae), Labcorp).